The following is an entry in ClinVar:

NM_000179.3(MSH6):c.2945C>A (p.Pro982His)

Gene: MSH6 (mutS homolog 6; plus strand). Cytogenetic location: 2p16.3.
Variant type: single nucleotide variant.
Coding change: c.2945C>A on transcript NM_000179.3 (MANE Select); coding-DNA position 2945, C replaced by A.
Protein change: p.Pro982His; replaces proline 982 with histidine.
Molecular consequence: missense variant.
Genome position (GRCh38, 1-based): chr2:47,800,928, C>A. VCF-style: chr2-47800928-C-A. GRCh37 (hg19) VCF-style: chr2-48028067-C-A.
Other names: c.2555C>A, p.Pro852His (NM_001281492.2); c.2039C>A, p.Pro680His (NM_001281493.2, NM_001281494.2); c.2945C>A (NM_000179.2); short protein forms P982H, P852H, P680H.
Identifiers: ClinVar variation 1462439 (VCV001462439.11), dbSNP rs2104432331, ClinGen allele CA346756230.

ClinVar aggregate classification (germline): Uncertain significance. Review status: criteria provided, multiple submitters, no conflicts (2 of 4 stars). 3 submissions from 3 submitters: Uncertain significance (3). Last evaluated 2026-07-02.

Conditions:
Hereditary nonpolyposis colorectal neoplasms. Identifiers: MedGen C0009405, MeSH D003123.
Hereditary cancer-predisposing syndrome. Also called: Hereditary Cancer Syndrome; Tumor predisposition; Neoplastic Syndromes, Hereditary; Hereditary neoplastic syndrome. Identifiers: Orphanet 140162, MedGen C0027672, MeSH D009386, MONDO:0015356.

Submissions (3):

Ambry Genetics
Classification: Uncertain significance for Hereditary cancer-predisposing syndrome. Last evaluated: 2026-07-02. Review status: criteria provided, single submitter. Criteria: Ambry Variant Classification Scheme 2023. Collection method: clinical testing. Allele origin: germline.
Comment: The p.P982H variant (also known as c.2945C>A), located in coding exon 4 of the MSH6 gene, results from a C to A substitution at nucleotide position 2945. The proline at codon 982 is replaced by histidine, an amino acid with similar properties. This amino acid position is conserved. In addition, this alteration is predicted to be deleterious by in silico analysis. Based on the available evidence, the clinical significance of this variant remains unclear.

Labcorp Genetics (formerly Invitae), Labcorp
Classification: Uncertain significance for Hereditary nonpolyposis colorectal neoplasms. Last evaluated: 2024-07-08. Review status: criteria provided, single submitter. Criteria: Invitae Variant Classification Sherloc (09022015). Collection method: clinical testing. Allele origin: germline.
Comment: This sequence change replaces proline, which is neutral and non-polar, with histidine, which is basic and polar, at codon 982 of the MSH6 protein (p.Pro982His). This variant is not present in population databases (gnomAD no frequency). This variant has not been reported in the literature in individuals affected with MSH6-related conditions. This suggests that this variant may not be disease-causing. ClinVar contains an entry for this variant (Variation ID: 1462439). Advanced modeling of protein sequence and biophysical properties (such as structural, functional, and spatial information, amino acid conservation, physicochemical variation, residue mobility, and thermodynamic stability) has been performed at Invitae for this missense variant, however the output from this modeling did not meet the statistical confidence thresholds required to predict the impact of this variant on MSH6 protein function. In summary, the available evidence is currently insufficient to determine the role of this variant in disease. Therefore, it has been classified as a Variant of Uncertain Significance.

Color Diagnostics, LLC DBA Color Health
Classification: Uncertain significance for Hereditary cancer-predisposing syndrome. Last evaluated: 2022-03-07. Review status: criteria provided, single submitter. Criteria: ACMG Guidelines, 2015. Collection method: clinical testing. Allele origin: germline.
Comment: This missense variant replaces proline with histidine at codon 982 of the MSH6 protein. Computational prediction suggests that this variant may have deleterious impact on protein structure and function (internally defined REVEL score threshold >= 0.7, PMID: 27666373). To our knowledge, functional studies have not been reported for this variant. This variant has not been reported in individuals affected with hereditary cancer in the literature. This variant has not been identified in the general population by the Genome Aggregation Database (gnomAD). The available evidence is insufficient to determine the role of this variant in disease conclusively. Therefore, this variant is classified as a Variant of Uncertain Significance.